The following is an entry in ClinVar:

NM_144687.4(NLRP12):c.62A>C (p.Glu21Ala)

Gene: NLRP12 (NLR family pyrin domain containing 12; minus strand). Cytogenetic location: 19q13.42.
Variant type: single nucleotide variant.
Coding change: c.62A>C on transcript NM_144687.4 (MANE Select); coding-DNA position 62, A replaced by C.
Protein change: p.Glu21Ala; replaces glutamic acid 21 with alanine.
Molecular consequence: missense variant.
Genome position (GRCh38, 1-based): chr19:53,824,113, T>G on the plus strand (A>C on the coding strand, the complement: NLRP12 is on the minus strand). VCF-style: chr19-53824113-T-G. GRCh37 (hg19) VCF-style: chr19-54327367-T-G.
Other names: c.62A>C, p.Glu21Ala (NM_001277126.2, NM_001277129.1); short protein forms E21A.
Identifiers: ClinVar variation 2179609 (VCV002179609.4), dbSNP rs2092308397, ClinGen allele CA407419416.

ClinVar aggregate classification (germline): Uncertain significance (1 of 4 stars; one submission).

Conditions:
Familial cold autoinflammatory syndrome 2 (FCAS2). Identifiers: Orphanet 247868, MedGen C2673198, MONDO:0012724, OMIM 611762.

Allele frequency attached by ClinVar (database versions not stated): gnomAD 0.00001.
gnomAD v4.1: 1 of 1,613,932 alleles (0.000062%); highest among the groups gnomAD compares: African/African-American, 0.0013%; no homozygotes.

Submission:

Labcorp Genetics (formerly Invitae), Labcorp
Classification: Uncertain significance for Familial cold autoinflammatory syndrome 2. Last evaluated: 2023-08-04. Review status: criteria provided, single submitter. Criteria: Invitae Variant Classification Sherloc (09022015). Collection method: clinical testing. Allele origin: germline.
Comment: ClinVar contains an entry for this variant (Variation ID: 2179609). In summary, the available evidence is currently insufficient to determine the role of this variant in disease. Therefore, it has been classified as a Variant of Uncertain Significance. Advanced modeling of protein sequence and biophysical properties (such as structural, functional, and spatial information, amino acid conservation, physicochemical variation, residue mobility, and thermodynamic stability) performed at Invitae indicates that this missense variant is not expected to disrupt NLRP12 protein function. This variant has not been reported in the literature in individuals affected with NLRP12-related conditions. This variant is not present in population databases (gnomAD no frequency). This sequence change replaces glutamic acid, which is acidic and polar, with alanine, which is neutral and non-polar, at codon 21 of the NLRP12 protein (p.Glu21Ala).